The following is an entry in ClinVar:

ClinVar aggregate classification (germline): Uncertain significance (1 of 4 stars; one submission).

Submission:

GeneDx
Classification: Uncertain significance. Last evaluated: 2020-02-10. Review status: criteria provided, single submitter. Criteria: GeneDx Variant Classification Process June 2021. Collection method: clinical testing. Allele origin: germline. Affected: yes.
Comment: Not observed in large population cohorts (Lek et al., 2016); In silico analysis supports that this missense variant has a deleterious effect on protein structure/function; Has not been previously published as pathogenic or benign to our knowledge

NM_207361.6(FREM2):c.8381A>C (p.Gln2794Pro)

Gene: FREM2 (FRAS1 related extracellular matrix 2; plus strand). Cytogenetic location: 13q13.3.
Variant type: single nucleotide variant.
Coding change: c.8381A>C on transcript NM_207361.6 (MANE Select); coding-DNA position 8381, A replaced by C.
Protein change: p.Gln2794Pro; replaces glutamine 2794 with proline.
Molecular consequence: missense variant.
Genome position (GRCh38, 1-based): chr13:38,876,121, A>C. VCF-style: chr13-38876121-A-C. GRCh37 (hg19) VCF-style: chr13-39450258-A-C.
Other names: short protein forms Q2794P.
Identifiers: ClinVar variation 1313784 (VCV001313784.2), dbSNP rs2137937738, ClinGen allele CA387905378.